The following is an entry in ClinVar:

ClinVar aggregate classification (germline): Pathogenic (1 of 4 stars; one submission).

Conditions:
Cohen syndrome (COH1). Also called: Cutis verticis gyrata, retinitis pigmentosa, and sensorineural deafness; PEPPER SYNDROME. Identifiers: Orphanet 193, MedGen C0265223, MONDO:0008999, OMIM 216550.

Submission:

Labcorp Genetics (formerly Invitae), Labcorp
Classification: Pathogenic for Cohen syndrome. Last evaluated: 2022-07-14. Review status: criteria provided, single submitter. Criteria: Invitae Variant Classification Sherloc (09022015). Collection method: clinical testing. Allele origin: germline.
Comment: For these reasons, this variant has been classified as Pathogenic. This variant disrupts a region of the VPS13B protein in which other variant(s) (deletion of exons 18-19) have been determined to be pathogenic (PMID: 19533689). This suggests that this is a clinically significant region of the protein, and that variants that disrupt it are likely to be disease-causing. This variant has not been reported in the literature in individuals affected with VPS13B-related conditions. This variant is a gross deletion of the genomic region encompassing exon(s) 6-21 of the VPS13B gene. This variant would be expected to be in-frame, preserving the integrity of the reading frame.

Literature cited by the submitters: PubMed 19533689.

NC_000008.10:g.(?_100123306)_(100403952_?)del

Gene: VPS13B (vacuolar protein sorting 13 homolog B; plus strand). Cytogenetic location: 8q22.2.
Variant type: Deletion.
Identifiers: ClinVar variation 2426398 (VCV002426398.4).